The following is an entry in ClinVar:

ClinVar aggregate classification (germline): Uncertain significance. Review status: criteria provided, multiple submitters, no conflicts (2 of 4 stars). 6 submissions from 6 submitters: Uncertain significance (6). Last evaluated 2026-01-14.

Conditions:
POLD1-related polyposis and colorectal cancer syndrome (CRCS10). Also called: Colorectal cancer 10; COLORECTAL CANCER, SUSCEPTIBILITY TO, ON CHROMOSOME 19q; Colorectal cancer, susceptibility to, 10. Identifiers: Orphanet 220460, MedGen C2675481, MONDO:0012953, OMIM 612591.
Hereditary cancer-predisposing syndrome. Also called: Neoplastic Syndromes, Hereditary; Hereditary neoplastic syndrome; Tumor predisposition; Hereditary Cancer Syndrome. Identifiers: Orphanet 140162, MedGen C0027672, MeSH D009386, MONDO:0015356.

Allele frequency attached by ClinVar (database versions not stated): ExAC 0.00001; TOPMed 0.00002; gnomAD exomes 0.00004 and 0.00002; gnomAD 0.00002.
gnomAD v4.1: 66 of 1,613,990 alleles (0.0041%); highest among the groups gnomAD compares: Non-Finnish European, 0.0055%; no homozygotes.

Submissions (6):

Labcorp Genetics (formerly Invitae), Labcorp
Classification: Uncertain significance for POLD1-related polyposis and colorectal cancer syndrome. Last evaluated: 2026-01-14. Review status: criteria provided, single submitter. Criteria: Invitae Variant Classification Sherloc (09022015). Collection method: clinical testing. Allele origin: germline.
Comment: This sequence change replaces isoleucine, which is neutral and non-polar, with threonine, which is neutral and polar, at codon 393 of the POLD1 protein (p.Ile393Thr). This variant is present in population databases (rs750322846, gnomAD 0.005%). This variant has not been reported in the literature in individuals affected with POLD1-related conditions. ClinVar contains an entry for this variant (Variation ID: 469182). Invitae Evidence Modeling of protein sequence and biophysical properties (such as structural, functional, and spatial information, amino acid conservation, physicochemical variation, residue mobility, and thermodynamic stability) indicates that this missense variant is expected to disrupt POLD1 protein function with a positive predictive value of 80%. In summary, the available evidence is currently insufficient to determine the role of this variant in disease. Therefore, it has been classified as a Variant of Uncertain Significance.

Women's Health and Genetics/Laboratory Corporation of America, LabCorp
Classification: Uncertain significance. Last evaluated: 2025-02-23. Review status: criteria provided, single submitter. Criteria: LabCorp Variant Classification Summary - May 2015. Collection method: clinical testing. Allele origin: germline.

Quest Diagnostics Nichols Institute San Juan Capistrano
Classification: Uncertain significance. Last evaluated: 2024-05-14. Review status: criteria provided, single submitter. Criteria: Quest Diagnostics criteria. Collection method: clinical testing. Allele origin: unknown.
Comment: The POLD1 c.1178T>C (p.Ile393Thr) variant has not been reported in individuals with POLD1-related conditions in the published literature. The frequency of this variant in the general population, 0.000053 (6/113764 chromosomes (Genome Aggregation Database)), is uninformative in the assessment of its pathogenicity. Analysis of this variant using bioinformatics tools for the prediction of the effect of amino acid changes on protein structure and function yielded predictions that this variant is damaging. Based on the available information, we are unable to determine the clinical significance of this variant.

Ambry Genetics
Classification: Uncertain significance for Hereditary cancer-predisposing syndrome. Last evaluated: 2024-03-06. Review status: criteria provided, single submitter. Criteria: Ambry Variant Classification Scheme 2023. Collection method: clinical testing. Allele origin: germline.
Comment: The p.I393T variant (also known as c.1178T>C), located in coding exon 9 of the POLD1 gene, results from a T to C substitution at nucleotide position 1178. The isoleucine at codon 393 is replaced by threonine, an amino acid with similar properties. This amino acid position is highly conserved in available vertebrate species. In addition, the in silico prediction for this alteration is inconclusive. Since supporting evidence is limited at this time, the clinical significance of this alteration remains unclear.

Baylor Genetics
Classification: Uncertain significance for POLD1-related polyposis and colorectal cancer syndrome. Last evaluated: 2023-08-02. Review status: criteria provided, single submitter. Criteria: ACMG Guidelines, 2015. Collection method: clinical testing. Allele origin: unknown.

GeneDx
Classification: Uncertain significance. Last evaluated: 2021-05-24. Review status: criteria provided, single submitter. Criteria: GeneDx Variant Classification Process June 2021. Collection method: clinical testing. Allele origin: germline. Affected: yes.
Comment: Has not been previously published as pathogenic or benign to our knowledge; In silico analysis supports that this missense variant has a deleterious effect on protein structure/function

NM_002691.4(POLD1):c.1178T>C (p.Ile393Thr)

Gene: POLD1 (DNA polymerase delta 1, catalytic subunit; plus strand). Cytogenetic location: 19q13.33.
Variant type: single nucleotide variant.
Coding change: c.1178T>C on transcript NM_002691.4 (MANE Select); coding-DNA position 1178, T replaced by C.
Protein change: p.Ile393Thr; replaces isoleucine 393 with threonine.
Molecular consequence: missense variant. On other transcripts: non-coding transcript variant (1).
Genome position (GRCh38, 1-based): chr19:50,403,533, T>C. VCF-style: chr19-50403533-T-C. GRCh37 (hg19) VCF-style: chr19-50906790-T-C.
Other names: c.1178T>C, p.Ile393Thr (NM_001256849.1, NM_001308632.1); short protein forms I393T.
Identifiers: ClinVar variation 469182 (VCV000469182.23), dbSNP rs750322846, ClinGen allele CA9596059.